The following is an entry in ClinVar:

NM_001386135.1(AFF3):c.1354del (p.His452fs)

Gene: AFF3 (ALF transcription elongation factor 3; minus strand). Cytogenetic location: 2q11.2.
Variant type: Deletion.
Coding change: c.1354del on transcript NM_001386135.1 (MANE Select); coding-DNA position 1354, one base deleted (C; older notation c.1354delC).
Protein change: p.His452fs; shifts the reading frame from histidine 452.
Molecular consequence: frameshift variant.
Genome position (GRCh38, 1-based): chr2:99,601,452, G deleted on the plus strand (C on the coding strand, the reverse complement: AFF3 is on the minus strand); the first of 7 consecutive G bases (chr2:99,601,452-99,601,458); deleting any one gives the same sequence. VCF-style (leftmost placement, unchanged base first): chr2-99601451-TG-T. GRCh37 (hg19) VCF-style: chr2-100217913-TG-T.
Other names: c.1429del, p.His477fs (NM_001025108.2); c.1354del, p.His452fs (NM_002285.3); short protein forms H452fs, H477fs.
Identifiers: ClinVar variation 5036997 (VCV005036997.1).

ClinVar aggregate classification (germline): Uncertain significance (1 of 4 stars; one submission).

Submission:

GeneDx
Classification: Uncertain significance. Last evaluated: 2026-04-08. Review status: criteria provided, single submitter. Criteria: GeneDx Variant Classification Process June 2021. Collection method: clinical testing. Allele origin: germline.
Comment: Frameshift variant predicted to result in protein truncation or nonsense mediated decay in a gene for which loss of function is a known mechanism of disease; Has not been previously published as pathogenic or benign to our knowledge